The following is an entry in ClinVar:

ClinVar aggregate classification (germline): Uncertain significance. Review status: criteria provided, multiple submitters, no conflicts (2 of 4 stars). 2 submissions from 2 submitters: Uncertain significance (2). Last evaluated 2025-09-12.

Allele frequency attached by ClinVar (database versions not stated): TOPMed 0.00001; gnomAD exomes below 0.00001 and 0.00001.
gnomAD v4.1: 4 of 1,613,136 alleles (0.00025%); highest among the groups gnomAD compares: South Asian, 0.0033%; no homozygotes.

Submissions (2):

Labcorp Genetics (formerly Invitae), Labcorp
Classification: Uncertain significance. Last evaluated: 2025-09-12. Review status: criteria provided, single submitter. Criteria: Invitae Variant Classification Sherloc (09022015). Collection method: clinical testing. Allele origin: germline.
Comment: This sequence change replaces glutamine, which is neutral and polar, with arginine, which is basic and polar, at codon 1453 of the MYO3A protein (p.Gln1453Arg). This variant is present in population databases (no rsID available, gnomAD 0.003%). This variant has not been reported in the literature in individuals affected with MYO3A-related conditions. ClinVar contains an entry for this variant (Variation ID: 1305408). An algorithm developed to predict the effect of missense changes on protein structure and function (PolyPhen-2) suggests that this variant is likely to be tolerated. In summary, the available evidence is currently insufficient to determine the role of this variant in disease. Therefore, it has been classified as a Variant of Uncertain Significance.

GeneDx
Classification: Uncertain significance. Last evaluated: 2019-02-15. Review status: criteria provided, single submitter. Criteria: GeneDx Variant Classification Process June 2021. Collection method: clinical testing. Allele origin: germline. Affected: yes.
Comment: Not observed at a significant frequency in large population cohorts (Lek et al., 2016); In silico analysis, which includes protein predictors and evolutionary conservation, supports that this variant does not alter protein structure/function; Has not been previously published as pathogenic or benign to our knowledge

NM_017433.5(MYO3A):c.4358A>G (p.Gln1453Arg)

Gene: MYO3A (myosin IIIA; plus strand). Cytogenetic location: 10p12.1.
Variant type: single nucleotide variant.
Coding change: c.4358A>G on transcript NM_017433.5 (MANE Select); coding-DNA position 4358, A replaced by G.
Protein change: p.Gln1453Arg; replaces glutamine 1453 with arginine.
Molecular consequence: missense variant.
Genome position (GRCh38, 1-based): chr10:26,176,765, A>G. VCF-style: chr10-26176765-A-G. GRCh37 (hg19) VCF-style: chr10-26465694-A-G.
Other names: short protein forms Q1453R.
Identifiers: ClinVar variation 1305408 (VCV001305408.3), dbSNP rs1164727921, ClinGen allele CA376342423.